The following is an entry in ClinVar:

ClinVar aggregate classification (germline): Uncertain significance. Review status: criteria provided, multiple submitters, no conflicts (2 of 4 stars). 2 submissions from 2 submitters: Uncertain significance (2). Last evaluated 2025-12-22.

Conditions:
Inborn genetic diseases. Identifiers: MedGen C0950123, MeSH D030342.

Allele frequency attached by ClinVar (database versions not stated): gnomAD 0.00002; TOPMed 0.00004.
gnomAD v4.1: 35 of 1,579,962 alleles (0.0022%); highest among the groups gnomAD compares: Middle Eastern, 0.023%; no homozygotes.

Submissions (2):

Labcorp Genetics (formerly Invitae), Labcorp
Classification: Uncertain significance. Last evaluated: 2025-12-22. Review status: criteria provided, single submitter. Criteria: Invitae Variant Classification Sherloc (09022015). Collection method: clinical testing. Allele origin: germline.
Comment: This sequence change replaces glycine, which is neutral and non-polar, with alanine, which is neutral and non-polar, at codon 27 of the KRT14 protein (p.Gly27Ala). This variant is present in population databases (no rsID available, gnomAD 0.02%). This variant has not been reported in the literature in individuals affected with KRT14-related conditions. ClinVar contains an entry for this variant (Variation ID: 3116332). Experimental studies and prediction algorithms are not available or were not evaluated, and the functional significance of this variant is currently unknown. In summary, the available evidence is currently insufficient to determine the role of this variant in disease. Therefore, it has been classified as a Variant of Uncertain Significance.

Ambry Genetics
Classification: Uncertain significance for Inborn genetic diseases. Last evaluated: 2024-01-04. Review status: criteria provided, single submitter. Criteria: Ambry Variant Classification Scheme 2023. Collection method: clinical testing. Allele origin: germline.

NM_000526.5(KRT14):c.80G>C (p.Gly27Ala)

Gene: KRT14 (keratin 14; minus strand). Cytogenetic location: 17q21.2.
Variant type: single nucleotide variant.
Coding change: c.80G>C on transcript NM_000526.5 (MANE Select); coding-DNA position 80, G replaced by C.
Protein change: p.Gly27Ala; replaces glycine 27 with alanine.
Molecular consequence: missense variant.
Genome position (GRCh38, 1-based): chr17:41,586,755, C>G on the plus strand (G>C on the coding strand, the complement: KRT14 is on the minus strand). VCF-style: chr17-41586755-C-G. GRCh37 (hg19) VCF-style: chr17-39743007-C-G.
Other names: short protein forms G27A.
Identifiers: ClinVar variation 3116332 (VCV003116332.2), dbSNP rs1159632697, ClinGen allele CA399483640.
Genomic context (GRCh38, chr17:41,586,755, plus strand): 5'-CCGTAGGTGCTGGGGGCGCGGCAGGACCCTCCGGCCAGGACGGAGGAGATGCGGCTGGAG[C>G]CGCCCCCGATGCCGCCCCCGATGCCGCAGGAGCCCTTCATGGAGCTGGAGGAGGTGAACT-3'
Protein context (NP_000517.3, residues 17-37): SCGIGGGIGG[Gly27Ala]SSRISSVLAG